The following is an entry in ClinVar:

ClinVar aggregate classification (germline): Uncertain significance (1 of 4 stars; one submission).

Conditions:
Leber congenital amaurosis 3 (LCA3). Also called: SPATA7-Related Retinitis Pigmentosa. Identifiers: MedGen C1858677, MONDO:0011415, OMIM 604232.

Submission:

Suma Genomics
Classification: Uncertain significance for Leber congenital amaurosis 3. Review status: criteria provided, single submitter. Criteria: ACMG Guidelines, 2015. Collection method: clinical testing. Allele origin: germline. Inheritance: Autosomal recessive inheritance. Affected: yes. Observed: 1 variant allele, 1 homozygote.
Comment: This variant is not observed in the gnomAD database. In-silico analysis tool SpliceAI predicts this variant in SPATA7 to cause aberrant splicing. ACMG classification: Variant of uncertain significance Criteria met: PM2_Supporting: Extremely low frequency in gnomAD population databases PP3_Moderate: For a splicing region variant, computational prediction tools unanimously support a deleterious effect on the gene

NM_018418.5(SPATA7):c.1215+5G>A

Gene: SPATA7 (spermatogenesis associated 7; plus strand). Cytogenetic location: 14q31.3.
Variant type: single nucleotide variant.
Coding change: c.1215+5G>A on transcript NM_018418.5 (MANE Select); 5 bases into the intron after coding-DNA position 1215, G replaced by A.
Molecular consequence: intron variant.
Genome position (GRCh38, 1-based): chr14:88,437,602, G>A. VCF-style: chr14-88437602-G-A. GRCh37 (hg19) VCF-style: chr14-88903946-G-A.
Other names: c.1119+5G>A (NM_001040428.4).
Identifiers: ClinVar variation 5021445 (VCV005021445.1).